The following is an entry in ClinVar:

ClinVar aggregate classification (germline): Likely pathogenic (1 of 4 stars; one submission).

Conditions:
Intestinal hypomagnesemia 1. Also called: HYPOMAGNESEMIA, INTESTINAL, WITH SECONDARY HYPOCALCEMIA; HYPOMAGNESEMIC TETANY. Identifiers: Orphanet 30924, MedGen C1865974, MONDO:0011176, OMIM 602014.

gnomAD v4.1: 1 of 1,608,652 alleles (0.000062%); no homozygotes.

Submission:

Women's Health and Genetics/Laboratory Corporation of America, LabCorp
Classification: Likely pathogenic for Intestinal hypomagnesemia 1. Last evaluated: 2024-12-06. Review status: criteria provided, single submitter. Criteria: LabCorp Variant Classification Summary - May 2015. Collection method: clinical testing. Allele origin: germline.
Comment: Variant summary: TRPM6 c.3537-1G>A is located in a canonical splice-site and is predicted to affect mRNA splicing resulting in a significantly altered protein due to either exon skipping, shortening, or inclusion of intronic material. Variants that disrupt the consensus splice site are a relatively common cause of aberrant splicing and loss of TRPM6 function. Several computational tools predict a significant impact on normal splicing: Four predict the variant abolishes a 3' acceptor site. Two predict the variant creates a 5' donor site. However, these predictions have yet to be confirmed by functional studies. The variant was absent in 240538 control chromosomes. c.3537-1G>A has been reported in the literature in a compound hteterozygous individual affected with Intestinal Hypomagnesemia 1 (Schlingmann_2002). To our knowledge, no experimental evidence demonstrating an impact on protein function has been reported. The following publication have been ascertained in the context of this evaluation (PMID: 12032568). No submitters have cited clinical-significance assessments for this variant to ClinVar. Based on the evidence outlined above, the variant was classified as likely pathogenic.

Literature cited by the submitters: PubMed 12032568.

NM_017662.5(TRPM6):c.3537-1G>A

Gene: TRPM6 (transient receptor potential cation channel subfamily M member 6; minus strand). Cytogenetic location: 9q21.13.
Variant type: single nucleotide variant.
Coding change: c.3537-1G>A on transcript NM_017662.5 (MANE Select); the canonical splice acceptor site of the intron before coding-DNA position 3537, G replaced by A.
Molecular consequence: splice acceptor variant.
Genome position (GRCh38, 1-based): chr9:74,763,135, C>T on the plus strand (G>A on the coding strand, the complement: TRPM6 is on the minus strand). VCF-style: chr9-74763135-C-T. GRCh37 (hg19) VCF-style: chr9-77378051-C-T.
Other names: c.3522-1G>A (NM_001177310.2, NM_001177311.2).
Identifiers: ClinVar variation 3768212 (VCV003768212.1).